The following is an entry in ClinVar:

NM_003128.3(SPTBN1):c.4825A>C (p.Ser1609Arg)

Gene: SPTBN1 (spectrin beta, non-erythrocytic 1; plus strand). Cytogenetic location: 2p16.2.
Variant type: single nucleotide variant.
Coding change: c.4825A>C on transcript NM_003128.3 (MANE Select); coding-DNA position 4825, A replaced by C.
Protein change: p.Ser1609Arg; replaces serine 1609 with arginine.
Molecular consequence: missense variant.
Genome position (GRCh38, 1-based): chr2:54,646,434, A>C. VCF-style: chr2-54646434-A-C. GRCh37 (hg19) VCF-style: chr2-54873571-A-C.
Other names: c.4786A>C, p.Ser1596Arg (NM_178313.3); short protein forms S1596R, S1609R.
Identifiers: ClinVar variation 3360890 (VCV003360890.1).

ClinVar aggregate classification (germline): Uncertain significance (1 of 4 stars; one submission).

Submission:

GeneDx
Classification: Uncertain significance. Last evaluated: 2023-07-06. Review status: criteria provided, single submitter. Criteria: GeneDx Variant Classification Process June 2021. Collection method: clinical testing. Allele origin: germline. Affected: yes.
Comment: Not observed at significant frequency in large population cohorts (gnomAD); In silico analysis supports that this missense variant has a deleterious effect on protein structure/function; Has not been previously published as pathogenic or benign to our knowledge